The following is an entry in ClinVar:

ClinVar aggregate classification (germline): Likely benign (0 of 4 stars; one submission).

Conditions:
PLXNA3-related disorder. Also called: PLXNA3-related condition.

gnomAD v4.1: 24 of 1,211,383 alleles (0.002%); highest among the groups gnomAD compares: Non-Finnish European, 0.0026%; no homozygotes.

Submission:

PreventionGenetics, part of Exact Sciences
Classification: Likely benign for PLXNA3-related condition. Last evaluated: 2021-12-20. Review status: no assertion criteria provided. Collection method: clinical testing. Allele origin: germline.
Comment: This variant is classified as likely benign based on ACMG/AMP sequence variant interpretation guidelines (Richards et al. 2015 PMID: 25741868, with internal and published modifications).

NM_017514.5(PLXNA3):c.849C>T (p.Ser283=)

Gene: PLXNA3 (plexin A3; plus strand). Cytogenetic location: Xq28.
Variant type: single nucleotide variant.
Coding change: c.849C>T on transcript NM_017514.5 (MANE Select); coding-DNA position 849, C replaced by T.
Protein change: p.Ser283=; no amino-acid change (serine 283 retained).
Molecular consequence: synonymous variant.
Genome position (GRCh38, 1-based): chrX:154,461,353, C>T. VCF-style: chrX-154461353-C-T. GRCh37 (hg19) VCF-style: chrX-153689693-C-T.
Identifiers: ClinVar variation 3355680 (VCV003355680.1).